The following is an entry in ClinVar:

ClinVar aggregate classification (germline): Conflicting classifications of pathogenicity. Review status: criteria provided, conflicting classifications (1 of 4 stars). 2 submissions from 2 submitters: Pathogenic (1); Uncertain significance (1). Last evaluated 2024-06-12.

Allele frequency attached by ClinVar (database versions not stated): TOPMed below 0.00001.
gnomAD v4.1: 5 of 1,613,320 alleles (0.00031%); highest among the groups gnomAD compares: Middle Eastern, 0.016%; no homozygotes.

Submissions (2):

Labcorp Genetics (formerly Invitae), Labcorp
Classification: Uncertain significance. Last evaluated: 2024-06-12. Review status: criteria provided, single submitter. Criteria: Invitae Variant Classification Sherloc (09022015). Collection method: clinical testing. Allele origin: germline.
Comment: This sequence change creates a premature translational stop signal (p.Arg824*) in the SAMD9 gene. While this is not anticipated to result in nonsense mediated decay, it is expected to disrupt the last 766 amino acid(s) of the SAMD9 protein. This variant is present in population databases (no rsID available, gnomAD 0.01%). This variant has not been reported in the literature in individuals affected with SAMD9-related conditions. ClinVar contains an entry for this variant (Variation ID: 634461). In summary, the available evidence is currently insufficient to determine the role of this variant in disease. Therefore, it has been classified as a Variant of Uncertain Significance.

Genomic Research Center, Shahid Beheshti University of Medical Sciences
Classification: Pathogenic. Last evaluated: 2019-01-01. Review status: criteria provided, single submitter. Criteria: ACMG Guidelines, 2015. Collection method: research. Allele origin: unknown. Affected: no. Observed: 1 variant allele.

NM_017654.4(SAMD9):c.2470C>T (p.Arg824Ter)

Gene: SAMD9 (sterile alpha motif domain containing 9; minus strand). Cytogenetic location: 7q21.2.
Variant type: single nucleotide variant.
Coding change: c.2470C>T on transcript NM_017654.4 (MANE Select); coding-DNA position 2470, C replaced by T.
Protein change: p.Arg824Ter; replaces arginine 824 with a stop codon.
Molecular consequence: nonsense.
Genome position (GRCh38, 1-based): chr7:93,103,628, G>A on the plus strand (C>T on the coding strand, the complement: SAMD9 is on the minus strand). VCF-style: chr7-93103628-G-A. GRCh37 (hg19) VCF-style: chr7-92732941-G-A.
Other names: c.2470C>T, p.Arg824Ter (NM_001193307.2); short protein forms R824*.
Identifiers: ClinVar variation 634461 (VCV000634461.6), dbSNP rs1186536794, ClinGen allele CA368190472.